The following is an entry in ClinVar:

NM_003791.4(MBTPS1):c.2574C>G (p.Asp858Glu)

Gene: MBTPS1 (membrane bound transcription factor peptidase, site 1; minus strand). Cytogenetic location: 16q23.3.
Variant type: single nucleotide variant.
Coding change: c.2574C>G on transcript NM_003791.4 (MANE Select); coding-DNA position 2574, C replaced by G.
Protein change: p.Asp858Glu; replaces aspartic acid 858 with glutamic acid.
Molecular consequence: missense variant.
Genome position (GRCh38, 1-based): chr16:84,060,812, G>C on the plus strand (C>G on the coding strand, the complement: MBTPS1 is on the minus strand). VCF-style: chr16-84060812-G-C. GRCh37 (hg19) VCF-style: chr16-84094417-G-C.
Other names: c.2574C>G (NM_003791.2); short protein forms D858E.
Identifiers: ClinVar variation 2052223 (VCV002052223.3), dbSNP rs142967505, ClinGen allele CA8200832.

ClinVar aggregate classification (germline): Uncertain significance. Review status: criteria provided, multiple submitters, no conflicts (2 of 4 stars). 2 submissions from 2 submitters: Uncertain significance (2). Last evaluated 2025-10-23.

Conditions:
Inborn genetic diseases. Identifiers: MedGen C0950123, MeSH D030342.

Allele frequency attached by ClinVar (database versions not stated): gnomAD 0.00013; TOPMed 0.00011; gnomAD exomes 0.00027; ESP Exome Variant Server 0.00015; ExAC 0.00024.
gnomAD v4.1: 411 of 1,573,272 alleles (0.026%); highest among the groups gnomAD compares: Non-Finnish European, 0.033%; no homozygotes.

Submissions (2):

Ambry Genetics
Classification: Uncertain significance for Inborn genetic diseases. Last evaluated: 2025-10-23. Review status: criteria provided, single submitter. Criteria: Ambry Variant Classification Scheme 2023. Collection method: clinical testing. Allele origin: germline.

Labcorp Genetics (formerly Invitae), Labcorp
Classification: Uncertain significance. Last evaluated: 2022-04-16. Review status: criteria provided, single submitter. Criteria: Invitae Variant Classification Sherloc (09022015). Collection method: clinical testing. Allele origin: germline.
Comment: This sequence change replaces aspartic acid, which is acidic and polar, with glutamic acid, which is acidic and polar, at codon 858 of the MBTPS1 protein (p.Asp858Glu). This variant is present in population databases (rs142967505, gnomAD 0.02%). This variant has not been reported in the literature in individuals affected with MBTPS1-related conditions. Algorithms developed to predict the effect of missense changes on protein structure and function (SIFT, PolyPhen-2, Align-GVGD) all suggest that this variant is likely to be tolerated. In summary, the available evidence is currently insufficient to determine the role of this variant in disease. Therefore, it has been classified as a Variant of Uncertain Significance.